The following is an entry in ClinVar:

NM_001039803.3(CDK20):c.615G>A (p.Pro205=)

Gene: CDK20 (cyclin dependent kinase 20; minus strand). Cytogenetic location: 9q22.1.
Variant type: single nucleotide variant.
Coding change: c.615G>A on transcript NM_001039803.3 (MANE Select); coding-DNA position 615, G replaced by A.
Protein change: p.Pro205=; no amino-acid change (proline 205 retained).
Molecular consequence: synonymous variant. On other transcripts: intron variant (1).
Genome position (GRCh38, 1-based): chr9:87,969,868, C>T on the plus strand (G>A on the coding strand, the complement: CDK20 is on the minus strand). VCF-style: chr9-87969868-C-T. GRCh37 (hg19) VCF-style: chr9-90584783-C-T.
Other names: NC_000009.11:g.90584783C>T; c.552G>A, p.Pro184= (NM_001170639.2, NM_012119.5); c.591G>A, p.Pro197= (NM_178432.4); c.501-519G>A (NM_001170640.2).
Identifiers: ClinVar variation 768313 (VCV000768313.7), dbSNP rs28364959, ClinGen allele CA5114067.

ClinVar aggregate classification (germline): Benign. Review status: criteria provided, multiple submitters, no conflicts (2 of 4 stars). 3 submissions from 3 submitters: Benign (2). 1 of the submissions does not count toward it. Last evaluated 2018-06-13.

Conditions:
CDK20-related disorder. Also called: CDK20-related condition.

Allele frequency attached by ClinVar (database versions not stated): gnomAD exomes 0.00325; ExAC 0.00405; gnomAD 0.01198 and 0.01285; 1000 Genomes Project 0.01378; TOPMed 0.01402; 1000 Genomes Project 30x 0.01437; ESP Exome Variant Server 0.01522.
gnomAD v4.1: 3,780 of 1,607,388 alleles (0.24%); highest among the groups gnomAD compares: African/African-American, 4.2%; 73 homozygotes.

Submissions (8):

Labcorp Genetics (formerly Invitae), Labcorp
Classification: Benign. Last evaluated: 2018-06-13. Review status: criteria provided, single submitter. Criteria: Invitae Variant Classification Sherloc (09022015). Collection method: clinical testing. Allele origin: germline.

Breakthrough Genomics
Classification: Benign. Review status: criteria provided, single submitter. Criteria: ACMG Guidelines, 2015. Collection method: not provided. Allele origin: germline. Inheritance: Unknown mechanism. Affected: yes.

PreventionGenetics, part of Exact Sciences
Classification: Benign for CDK20-related condition. Last evaluated: 2019-11-11. Review status: no assertion criteria provided. Collection method: clinical testing. Allele origin: germline. Not counted in ClinVar's aggregate classification.
Comment: This variant is classified as benign based on ACMG/AMP sequence variant interpretation guidelines (Richards et al. 2015 PMID: 25741868, with internal and published modifications).

Dr. Peter K. Rogan Lab, Western University
No classification provided (evidence only). Condition: Clear cell carcinoma of kidney. Review status: no classification provided. Collection method: in vitro. Allele origin: not applicable. Functional consequence: skipped exon, retained intron. Not counted in ClinVar's aggregate classification.

Dr. Peter K. Rogan Lab, Western University
No classification provided (evidence only). Condition: Lung cancer. Review status: no classification provided. Collection method: in vitro. Allele origin: not applicable. Functional consequence: skipped exon, retained intron. Not counted in ClinVar's aggregate classification.

Dr. Peter K. Rogan Lab, Western University
No classification provided (evidence only). Condition: Cervical cancer. Review status: no classification provided. Collection method: in vitro. Allele origin: not applicable. Functional consequence: skipped exon, retained intron. Not counted in ClinVar's aggregate classification.

Dr. Peter K. Rogan Lab, Western University
No classification provided (evidence only). Condition: Ovarian serous cystadenocarcinoma. Review status: no classification provided. Collection method: in vitro. Allele origin: not applicable. Functional consequence: retained intron. Not counted in ClinVar's aggregate classification.

Dr. Peter K. Rogan Lab, Western University
No classification provided (evidence only). Condition: Gastric cancer. Review status: no classification provided. Collection method: in vitro. Allele origin: not applicable. Functional consequence: retained intron. Not counted in ClinVar's aggregate classification.